The following is an entry in ClinVar:

NM_007214.5(SEC63):c.2205G>C (p.Gly735=)

Gene: SEC63 (SEC63 protein translocation regulator; minus strand). Cytogenetic location: 6q21.
Variant type: single nucleotide variant.
Coding change: c.2205G>C on transcript NM_007214.5 (MANE Select); coding-DNA position 2205, G replaced by C.
Protein change: p.Gly735=; no amino-acid change (glycine 735 retained).
Molecular consequence: synonymous variant.
Genome position (GRCh38, 1-based): chr6:107,871,782, C>G on the plus strand (G>C on the coding strand, the complement: SEC63 is on the minus strand). VCF-style: chr6-107871782-C-G. GRCh37 (hg19) VCF-style: chr6-108192986-C-G.
Identifiers: ClinVar variation 354889 (VCV000354889.8), dbSNP rs761321161, ClinGen allele CA3947131.

ClinVar aggregate classification (germline): Benign/Likely benign. Review status: criteria provided, multiple submitters, no conflicts (2 of 4 stars). 2 submissions from 2 submitters: Benign (1); Likely benign (1). Last evaluated 2025-04-23.

Conditions:
Polycystic liver disease 2 (PCLD2). Also called: Polycystic liver disease 2 with or without kidney cysts. Identifiers: Orphanet 2924, MedGen C4310769, MONDO:0014860, OMIM 617004.

Allele frequency attached by ClinVar (database versions not stated): gnomAD 0.00003; gnomAD exomes 0.00006 and 0.00010; TOPMed 0.00009; ExAC 0.00010.
gnomAD v4.1: 96 of 1,613,578 alleles (0.0059%); highest among the groups gnomAD compares: Middle Eastern, 0.049%; no homozygotes.

Submissions (2):

Labcorp Genetics (formerly Invitae), Labcorp
Classification: Benign. Last evaluated: 2025-04-23. Review status: criteria provided, single submitter. Criteria: Invitae Variant Classification Sherloc (09022015). Collection method: clinical testing. Allele origin: germline.

Illumina Laboratory Services, Illumina
Classification: Likely benign for Polycystic liver disease 2. Last evaluated: 2018-01-13. Review status: criteria provided, single submitter. Criteria: ICSL Variant Classification Criteria 13 December 2019. Collection method: clinical testing. Allele origin: germline.
Comment: This variant was observed in the ICSL laboratory as part of a predisposition screen in an ostensibly healthy population. It had not been previously curated by ICSL or reported in the Human Gene Mutation Database (HGMD: prior to June 1st, 2018), and was therefore a candidate for classification through an automated scoring system. Utilizing variant allele frequency, disease prevalence and penetrance estimates, and inheritance mode, an automated score was calculated to assess if this variant is too frequent to cause the disease. Based on the score and internal cut-off values, a variant classified as likely benign is not then subjected to further curation. The score for this variant resulted in a classification of likely benign for this disease.